The following is an entry in ClinVar:

ClinVar aggregate classification (germline): Likely pathogenic (1 of 4 stars; one submission).

Conditions:
T-B+ severe combined immunodeficiency due to JAK3 deficiency. Also called: SCID, T CELL-NEGATIVE, B CELL-POSITIVE, NK CELL-NEGATIVE; SCID, autosomal recessive, T-negative/B-positive type. Identifiers: Orphanet 35078, MedGen C1833275, MONDO:0010938, OMIM 600802.

Submission:

Baylor Genetics
Classification: Likely pathogenic for T-B+ severe combined immunodeficiency due to JAK3 deficiency. Last evaluated: 2019-10-31. Review status: criteria provided, single submitter. Criteria: ACMG Guidelines, 2015. Collection method: clinical testing. Allele origin: unknown. Affected: yes.
Comment: This variant was determined to be likely pathogenic according to ACMG Guidelines, 2015 [PMID:25741868].

NM_000215.4(JAK3):c.2652C>T (p.Val884=)

Gene: JAK3 (Janus kinase 3; minus strand). Cytogenetic location: 19p13.11.
Variant type: single nucleotide variant.
Coding change: c.2652C>T on transcript NM_000215.4 (MANE Select); coding-DNA position 2652, C replaced by T.
Protein change: p.Val884=; no amino-acid change (valine 884 retained).
Molecular consequence: synonymous variant.
Genome position (GRCh38, 1-based): chr19:17,832,547, G>A on the plus strand (C>T on the coding strand, the complement: JAK3 is on the minus strand). VCF-style: chr19-17832547-G-A. GRCh37 (hg19) VCF-style: chr19-17943356-G-A.
Identifiers: ClinVar variation 1028621 (VCV001028621.1), dbSNP rs2094216237, ClinGen allele CA506003336.